The following is an entry in ClinVar:

NM_018972.4(GDAP1):c.188A>C (p.His63Pro)

Gene: GDAP1 (ganglioside induced differentiation associated protein 1; plus strand). Cytogenetic location: 8q21.11.
Variant type: single nucleotide variant.
Coding change: c.188A>C on transcript NM_018972.4 (MANE Select); coding-DNA position 188, A replaced by C.
Protein change: p.His63Pro; replaces histidine 63 with proline.
Molecular consequence: missense variant. On other transcripts: 5 prime UTR variant (1), intron variant (2).
Genome position (GRCh38, 1-based): chr8:74,351,344, A>C. VCF-style: chr8-74351344-A-C. GRCh37 (hg19) VCF-style: chr8-75263579-A-C.
Other names: c.-17A>C (NM_001040875.4); c.188A>C, p.His63Pro (NM_001362930.2, NM_001362931.2); c.-18+23A>C (NM_001362929.2); c.-18+766A>C (NM_001362932.2); short protein forms H63P.
Identifiers: ClinVar variation 5017403 (VCV005017403.1).

ClinVar aggregate classification (germline): Uncertain significance (1 of 4 stars; one submission).

Submission:

GeneDx
Classification: Uncertain significance. Last evaluated: 2026-03-24. Review status: criteria provided, single submitter. Criteria: GeneDx Variant Classification Process June 2021. Collection method: clinical testing. Allele origin: germline.
Comment: Not observed at significant frequency in large population cohorts (gnomAD); In silico analysis supports that this missense variant has a deleterious effect on protein structure/function; Has not been previously published as pathogenic or benign to our knowledge; This variant is associated with the following publications: (PMID: 23628762, 20685671, 20849849)